The following is an entry in ClinVar:

ClinVar aggregate classification (germline): Uncertain significance (1 of 4 stars; one submission).

Submission:

Labcorp Genetics (formerly Invitae), Labcorp
Classification: Uncertain significance. Last evaluated: 2022-10-08. Review status: criteria provided, single submitter. Criteria: Invitae Variant Classification Sherloc (09022015). Collection method: clinical testing. Allele origin: germline.
Comment: In summary, the available evidence is currently insufficient to determine the role of this variant in disease. Therefore, it has been classified as a Variant of Uncertain Significance. Advanced modeling of protein sequence and biophysical properties (such as structural, functional, and spatial information, amino acid conservation, physicochemical variation, residue mobility, and thermodynamic stability) has been performed at Invitae for this missense variant, however the output from this modeling did not meet the statistical confidence thresholds required to predict the impact of this variant on CACNA1E protein function. This variant has not been reported in the literature in individuals affected with CACNA1E-related conditions. This variant is not present in population databases (gnomAD no frequency). This sequence change replaces serine, which is neutral and polar, with cysteine, which is neutral and slightly polar, at codon 595 of the CACNA1E protein (p.Ser595Cys).

NM_001205293.3(CACNA1E):c.1784C>G (p.Ser595Cys)

Gene: CACNA1E (calcium voltage-gated channel subunit alpha1 E; plus strand). Cytogenetic location: 1q25.3.
Variant type: single nucleotide variant.
Coding change: c.1784C>G on transcript NM_001205293.3 (MANE Select); coding-DNA position 1784, C replaced by G.
Protein change: p.Ser595Cys; replaces serine 595 with cysteine.
Molecular consequence: missense variant.
Genome position (GRCh38, 1-based): chr1:181,720,238, C>G. VCF-style: chr1-181720238-C-G. GRCh37 (hg19) VCF-style: chr1-181689374-C-G.
Other names: c.1784C>G, p.Ser595Cys (NM_000721.4, NM_001205294.2); short protein forms S595C.
Identifiers: ClinVar variation 1721318 (VCV001721318.5), dbSNP rs2528547190, ClinGen allele CA343626858.
Genomic context (GRCh38, chr1:181,720,238, plus strand): 5'-CAGCTGTCACATTGTCTGGGTTTTGTAGGTATTGGGCTTCCCTACGGAATTTGGTGGTCT[C>G]CTTGATGAGCTCAATGAAGTCTATCATCAGTTTGCTTTTCCTCCTCTTCCTCTTCATCGT-3'
Protein context (NP_001192222.1, residues 585-605): YWASLRNLVV[Ser595Cys]LMSSMKSIIS